The following is an entry in ClinVar:

NM_001942.4(DSG1):c.257G>A (p.Arg86His)

Gene: DSG1 (desmoglein 1; plus strand). Cytogenetic location: 18q12.1.
Variant type: single nucleotide variant.
Coding change: c.257G>A on transcript NM_001942.4 (MANE Select); coding-DNA position 257, G replaced by A.
Protein change: p.Arg86His; replaces arginine 86 with histidine.
Molecular consequence: missense variant.
Genome position (GRCh38, 1-based): chr18:31,328,229, G>A. VCF-style: chr18-31328229-G-A. GRCh37 (hg19) VCF-style: chr18-28908192-G-A.
Other names: short protein forms R86H.
Identifiers: ClinVar variation 3627248 (VCV003627248.2).
Genomic context (GRCh38, chr18:31,328,229, plus strand): 5'-TACTTGTGTTCCTTCTGCAGATTCACTCAGATTGTGCTGCAAACCAGCAAGTTACATACC[G>A]CATCTCTGGAGTAGGAATTGATCAGCCACCATATGGGATCTTTGTCATTAATCAGAAAAC-3'
Protein context (NP_001933.2, residues 76-96): DCAANQQVTY[Arg86His]ISGVGIDQPP

ClinVar aggregate classification (germline): Uncertain significance (1 of 4 stars; one submission).

gnomAD v4.1: 61 of 1,613,500 alleles (0.0038%); highest among the groups gnomAD compares: East Asian, 0.0067%; no homozygotes.

Submission:

Labcorp Genetics (formerly Invitae), Labcorp
Classification: Uncertain significance. Last evaluated: 2025-10-19. Review status: criteria provided, single submitter. Criteria: Invitae Variant Classification Sherloc (09022015). Collection method: clinical testing. Allele origin: germline.
Comment: This sequence change replaces arginine, which is basic and polar, with histidine, which is basic and polar, at codon 86 of the DSG1 protein (p.Arg86His). This variant is present in population databases (rs770916767, gnomAD 0.004%). This variant has not been reported in the literature in individuals affected with DSG1-related conditions. ClinVar contains an entry for this variant (Variation ID: 3627248). Invitae Evidence Modeling of protein sequence and biophysical properties (such as structural, functional, and spatial information, amino acid conservation, physicochemical variation, residue mobility, and thermodynamic stability) indicates that this missense variant is not expected to disrupt DSG1 protein function with a negative predictive value of 80%. In summary, the available evidence is currently insufficient to determine the role of this variant in disease. Therefore, it has been classified as a Variant of Uncertain Significance.